The following is an entry in ClinVar:

NM_021098.3(CACNA1H):c.6115G>A (p.Glu2039Lys)

Gene: CACNA1H (calcium voltage-gated channel subunit alpha1 H; plus strand). Cytogenetic location: 16p13.3.
Variant type: single nucleotide variant.
Coding change: c.6115G>A on transcript NM_021098.3 (MANE Select); coding-DNA position 6115, G replaced by A.
Protein change: p.Glu2039Lys; replaces glutamic acid 2039 with lysine.
Molecular consequence: missense variant.
Genome position (GRCh38, 1-based): chr16:1,220,047, G>A. VCF-style: chr16-1220047-G-A. GRCh37 (hg19) VCF-style: chr16-1270047-G-A.
Other names: c.6097G>A, p.Glu2033Lys (NM_001005407.2); short protein forms E2039K, E2033K.
Identifiers: ClinVar variation 640355 (VCV000640355.1), dbSNP rs1555520783, ClinGen allele CA394149108.

ClinVar aggregate classification (germline): Uncertain significance (1 of 4 stars; one submission).

Conditions:
Idiopathic generalized epilepsy. Also called: Generalised epilepsy; EIG. Identifiers: MedGen C0270850, MONDO:0005579, OMIM 600669.
Hyperaldosteronism, familial, type IV (HALD4). Also called: FH IV; ALDOSTERONISM, PRIMARY, AND HYPERTENSION. Identifiers: Orphanet 642671, MedGen C4310756, MONDO:0014875, OMIM 617027.

Submission:

Labcorp Genetics (formerly Invitae), Labcorp
Classification: Uncertain significance for Idiopathic generalized epilepsy; Hyperaldosteronism, familial, type IV. Last evaluated: 2018-07-17. Review status: criteria provided, single submitter. Criteria: Invitae Variant Classification Sherloc (09022015). Collection method: clinical testing. Allele origin: germline.
Comment: This sequence change replaces glutamic acid with lysine at codon 2039 of the CACNA1H protein (p.Glu2039Lys). The glutamic acid residue is moderately conserved and there is a small physicochemical difference between glutamic acid and lysine. This variant is not present in population databases (ExAC no frequency). This variant has not been reported in the literature in individuals with CACNA1H-related disease. Algorithms developed to predict the effect of missense changes on protein structure and function (SIFT, PolyPhen-2, Align-GVGD) all suggest that this variant is likely to be tolerated, but these predictions have not been confirmed by published functional studies and their clinical significance is uncertain. In summary, the available evidence is currently insufficient to determine the role of this variant in disease. Therefore, it has been classified as a Variant of Uncertain Significance.